The following is an entry in ClinVar:

ClinVar aggregate classification (germline): Benign (0 of 4 stars; one submission).

Conditions:
HELQ-related disorder. Also called: HELQ-related condition.

gnomAD v4.1: 1 of 1,026,450 alleles (0.000097%); no homozygotes.

Submission:

PreventionGenetics, part of Exact Sciences
Classification: Benign for HELQ-related condition. Last evaluated: 2019-02-20. Review status: no assertion criteria provided. Collection method: clinical testing. Allele origin: germline.
Comment: This variant is classified as benign based on ACMG/AMP sequence variant interpretation guidelines (Richards et al. 2015 PMID: 25741868, with internal and published modifications).

NM_133636.5(HELQ):c.1012+51T>C

Gene: HELQ (helicase, POLQ like; minus strand). Cytogenetic location: 4q21.23.
Variant type: single nucleotide variant.
Coding change: c.1012+51T>C on transcript NM_133636.5 (MANE Select); 51 bases into the intron after coding-DNA position 1012, T replaced by C.
Molecular consequence: intron variant. On other transcripts: 3 prime UTR variant (2), non-coding transcript variant (1).
Genome position (GRCh38, 1-based): chr4:83,453,180, A>G on the plus strand (T>C on the coding strand, the complement: HELQ is on the minus strand). VCF-style: chr4-83453180-A-G. GRCh37 (hg19) VCF-style: chr4-84374333-A-G.
Other names: c.*1T>C (NM_001297758.2, NM_001297759.2); c.1012+51T>C (NM_001297755.2); c.-523+51T>C (NM_001297757.2); c.-493+51T>C (NM_001297756.2).
Identifiers: ClinVar variation 3058472 (VCV003058472.2), dbSNP rs2530181416, ClinGen allele CA2671253469.